The following is an entry in ClinVar:

ClinVar aggregate classification (germline): Uncertain significance. Review status: criteria provided, multiple submitters, no conflicts (2 of 4 stars). 2 submissions from 2 submitters: Uncertain significance (2). Last evaluated 2024-05-31.

Allele frequency attached by ClinVar (database versions not stated): gnomAD exomes below 0.00001 and 0.00001; TOPMed 0.00001.
gnomAD v4.1: 1 of 1,210,932 alleles (0.000083%); highest among the groups gnomAD compares: African/African-American, 0.0017%; no homozygotes.

Submissions (2):

GeneDx
Classification: Uncertain significance. Last evaluated: 2024-05-31. Review status: criteria provided, single submitter. Criteria: GeneDx Variant Classification Process June 2021. Collection method: clinical testing. Allele origin: germline. Affected: yes.
Comment: In silico analysis indicates that this missense variant does not alter protein structure/function; Has not been previously published as pathogenic or benign to our knowledge

Labcorp Genetics (formerly Invitae), Labcorp
Classification: Uncertain significance. Last evaluated: 2018-10-18. Review status: criteria provided, single submitter. Criteria: Invitae Variant Classification Sherloc (09022015). Collection method: clinical testing. Allele origin: germline.
Comment: This sequence change replaces serine with asparagine at codon 650 of the NEXMIF protein (p.Ser650Asn). The serine residue is moderately conserved and there is a small physicochemical difference between serine and asparagine. This variant is not present in population databases (ExAC no frequency). This variant has not been reported in the literature in individuals with NEXMIF-related disease. Algorithms developed to predict the effect of missense changes on protein structure and function output the following: SIFT: "Tolerated"; PolyPhen-2: "Benign"; Align-GVGD: "Class C0". The asparagine amino acid residue is found in multiple mammalian species, suggesting that this missense change does not adversely affect protein function. These predictions have not been confirmed by published functional studies and their clinical significance is uncertain. In summary, the available evidence is currently insufficient to determine the role of this variant in disease. Therefore, it has been classified as a Variant of Uncertain Significance.

NM_001008537.3(NEXMIF):c.1949G>A (p.Ser650Asn)

Gene: NEXMIF (neurite extension and migration factor; minus strand). Cytogenetic location: Xq13.3.
Variant type: single nucleotide variant.
Coding change: c.1949G>A on transcript NM_001008537.3 (MANE Select); coding-DNA position 1949, G replaced by A.
Protein change: p.Ser650Asn; replaces serine 650 with asparagine.
Molecular consequence: missense variant.
Genome position (GRCh38, 1-based): chrX:74,742,608, C>T on the plus strand (G>A on the coding strand, the complement: NEXMIF is on the minus strand). VCF-style: chrX-74742608-C-T. GRCh37 (hg19) VCF-style: chrX-73962443-C-T.
Other names: c.1949G>A (NM_001008537.1); short protein forms S650N.
Identifiers: ClinVar variation 656658 (VCV000656658.2), dbSNP rs1381067476, ClinGen allele CA413669330.